The following is an entry in ClinVar:

NM_004385.5(VCAN):c.9583C>T (p.Arg3195Trp)

Genes: VCAN (versican; plus strand), VCAN-AS1 (VCAN antisense RNA 1; minus strand). Cytogenetic location: 5q14.3.
Variant type: single nucleotide variant.
Coding change: c.9583C>T on transcript NM_004385.5 (MANE Select); coding-DNA position 9583, C replaced by T.
Protein change: p.Arg3195Trp; replaces arginine 3195 with tryptophan.
Molecular consequence: missense variant.
Genome position (GRCh38, 1-based): chr5:83,553,453, C>T. VCF-style: chr5-83553453-C-T. GRCh37 (hg19) VCF-style: chr5-82849272-C-T.
Other names: c.1360C>T, p.Arg454Trp (NM_001126336.3); c.6622C>T, p.Arg2208Trp (NM_001164097.2); c.4321C>T, p.Arg1441Trp (NM_001164098.2); short protein forms R1441W, R2208W, R3195W, R454W.
Identifiers: ClinVar variation 2961534 (VCV002961534.3), dbSNP rs747920387, ClinGen allele CA3334043.

ClinVar aggregate classification (germline): Uncertain significance (1 of 4 stars; one submission).

Allele frequency attached by ClinVar (database versions not stated): gnomAD 0.00001; TOPMed 0.00001; ExAC 0.00002; gnomAD exomes 0.00002.
gnomAD v4.1: 29 of 1,613,982 alleles (0.0018%); highest among the groups gnomAD compares: Middle Eastern, 0.016%; no homozygotes.

Submission:

Labcorp Genetics (formerly Invitae), Labcorp
Classification: Uncertain significance. Last evaluated: 2023-06-14. Review status: criteria provided, single submitter. Criteria: Invitae Variant Classification Sherloc (09022015). Collection method: clinical testing. Allele origin: germline.
Comment: This variant is present in population databases (rs747920387, gnomAD 0.01%). In summary, the available evidence is currently insufficient to determine the role of this variant in disease. Therefore, it has been classified as a Variant of Uncertain Significance. An algorithm developed to predict the effect of missense changes on protein structure and function (PolyPhen-2) suggests that this variant is likely to be disruptive. This variant has not been reported in the literature in individuals affected with VCAN-related conditions. This sequence change replaces arginine, which is basic and polar, with tryptophan, which is neutral and slightly polar, at codon 3195 of the VCAN protein (p.Arg3195Trp).